The following is an entry in ClinVar:

ClinVar aggregate classification (germline): Pathogenic. Review status: criteria provided, multiple submitters, no conflicts (2 of 4 stars). 4 submissions from 4 submitters: Pathogenic (3). 1 of the submissions does not count toward it. Last evaluated 2022-03-30.

Conditions:
Hereditary cancer-predisposing syndrome. Also called: Hereditary Cancer Syndrome; Tumor predisposition; Neoplastic Syndromes, Hereditary; Hereditary neoplastic syndrome. Identifiers: Orphanet 140162, MedGen C0027672, MeSH D009386, MONDO:0015356.
Von Hippel-Lindau syndrome (VHLS). Also called: Von Hippel-Lindau; VHL syndrome; von Hippel–Lindau syndrome. Identifiers: Orphanet 892, MedGen C0019562, MONDO:0008667, OMIM 193300. Disease mechanism: loss of function.

Submissions (4):

Ambry Genetics
Classification: Pathogenic for Hereditary cancer-predisposing syndrome. Last evaluated: 2022-03-30. Review status: criteria provided, single submitter. Criteria: Ambry Variant Classification Scheme 2023. Collection method: clinical testing. Allele origin: germline.
Comment: The p.W117C pathogenic mutation (also known as c.351G>T), located in coding exon 2 of the VHL gene, results from a G to T substitution at nucleotide position 351. The tryptophan at codon 117 is replaced by cysteine, an amino acid with highly dissimilar properties. In one family of Arabic and Persian descent, this mutation was shown to segregate with disease in thirteen family members affected with Von Hippel-Lindau (VHL) syndrome and was not seen in healthy members of the family or in 55 healthy control subjects (AlFadhli SM, Med Princ Pract 2008; 17(5):395-9). Additionally, this mutation has been identified in various other families fulfilling diagnostic criteria for VHL (Chen F, Hum. Mutat. 1995; 5(1):66-75; Olschwang S, Hum. Mutat. 1998; 12(6):424-30; Dollfus H et al. Invest. Ophthalmol. Vis. Sci., 2002 Sep;43:3067-74; Gallou C et al. Hum. Mutat., 2004 Sep;24:215-24). Of note, this alteration is also designated as G564T (Tryp117Cys) in published literature. This amino acid position is highly conserved in available vertebrate species. In addition, this alteration is predicted to be deleterious by in silico analysis. Based on the supporting evidence, this alteration is interpreted as a disease-causing mutation.

Women's Health and Genetics/Laboratory Corporation of America, LabCorp
Classification: Pathogenic for Von Hippel-Lindau syndrome. Last evaluated: 2016-02-03. Review status: criteria provided, single submitter. Criteria: LabCorp Variant Classification Summary - May 2015. Collection method: clinical testing. Allele origin: germline.
Comment: Variant summary: The variant of interest causes a missense change involving a conserved nucleotide with 5/5 in silico programs predicting a "deleterious" outcome. The variant of interest was not observed in controls (ExAC, 1000 Gs or ESP) but has been reported in multiple affected individuals via publications, along with reputable databases/clinical laboratories citing the variant with a classification of "pathogenic." Therefore, taking all available lines of evidence, the variant of interest is classified as Pathogenic.

Eurofins Ntd Llc (ga)
Classification: Pathogenic. Last evaluated: 2014-04-24. Review status: criteria provided, single submitter. Criteria: EGL Classification Definitions 2015. Collection method: clinical testing. Allele origin: germline. Observed: 1 variant allele, 1 heterozygote.

Genomic Diagnostic Laboratory, Division of Genomic Diagnostics, Children's Hospital of Philadelphia
Classification: Pathogenic for Von Hippel-Lindau syndrome. Last evaluated: 2016-02-26. Review status: no assertion criteria provided. Collection method: clinical testing. Allele origin: germline. Affected: yes. Observed: 4 variant alleles. Not counted in ClinVar's aggregate classification.

Literature cited by the submitters: PubMed 10581162 (cited by Ambry Genetics); PubMed 12202531 (cited by Ambry Genetics and Women's Health and Genetics/Laboratory Corporation of America, LabCorp); PubMed 15300849 (cited by Ambry Genetics); PubMed 18685280 (cited by Ambry Genetics and Eurofins Ntd Llc (ga)); PubMed 7728151 (cited by Ambry Genetics and Women's Health and Genetics/Laboratory Corporation of America, LabCorp); PubMed 9829912 (cited by Ambry Genetics); PubMed 8956040 (cited by Eurofins Ntd Llc (ga)).

NM_000551.4(VHL):c.351G>T (p.Trp117Cys)

Genes: VHL (von Hippel-Lindau tumor suppressor; plus strand), LOC107303340 (3p25 von Hippel-Lindau tumor suppressor, E3 ubiquitin protein ligase Alu-mediated recombination region; plus strand). Cytogenetic location: 3p25.3.
Variant type: single nucleotide variant.
Coding change: c.351G>T on transcript NM_000551.4 (MANE Select); coding-DNA position 351, G replaced by T.
Protein change: p.Trp117Cys; replaces tryptophan 117 with cysteine.
Molecular consequence: missense variant. On other transcripts: intron variant (2).
Genome position (GRCh38, 1-based): chr3:10,146,524, G>T. VCF-style: chr3-10146524-G-T. GRCh37 (hg19) VCF-style: chr3-10188208-G-T.
Other names: c.*18-3263G>T (NM_001354723.2); c.341-3263G>T (NM_198156.3).
Identifiers: ClinVar variation 167827 (VCV000167827.10), dbSNP rs727504215, ClinGen allele CA020294.